The following is an entry in ClinVar:

ClinVar aggregate classification (germline): Conflicting classifications of pathogenicity. Review status: criteria provided, conflicting classifications (1 of 4 stars). 4 submissions from 4 submitters: Uncertain significance (2); Benign (1); Likely benign (1). Last evaluated 2025-12-15.

Conditions:
Ehlers-Danlos syndrome, classic type, 1 (EDSCL1). Also called: Ehlers-Danlos Syndrome, Classic Type, COL5A1-Related; EHLERS-DANLOS SYNDROME, GRAVIS TYPE; EHLERS-DANLOS SYNDROME, SEVERE CLASSIC TYPE; EDS I; Ehlers-Danlos syndrome, type 1. Identifiers: MedGen C0268335, MONDO:0019567, OMIM 130000.

Allele frequency attached by ClinVar (database versions not stated): gnomAD exomes 0.00001 and 0.00003; ExAC 0.00003; gnomAD 0.00003 and 0.00004; TOPMed 0.00004.
gnomAD v4.1: 25 of 1,613,934 alleles (0.0015%); highest among the groups gnomAD compares: South Asian, 0.0088%; no homozygotes.

Submissions (4):

Women's Health and Genetics/Laboratory Corporation of America, LabCorp
Classification: Uncertain significance. Last evaluated: 2025-12-15. Review status: criteria provided, single submitter. Criteria: LabCorp Variant Classification Summary - May 2015. Collection method: clinical testing. Allele origin: germline.
Comment: Variant summary: COL5A2 c.1478C>T (p.Pro493Leu) results in a non-conservative amino acid change in the encoded protein sequence. Algorithms developed to predict the effect of missense changes on protein structure and function all suggest that this variant is likely to be disruptive. The variant allele was found at a frequency of 3.2e-05 in 251306 control chromosomes. The available data on variant occurrences in the general population are insufficient to allow any conclusion about variant significance. To our knowledge, no occurrence of c.1478C>T in individuals affected with COL5A2-related conditions and no experimental evidence demonstrating its impact on protein function have been reported. ClinVar contains an entry for this variant (Variation ID: 946429). Based on the evidence outlined above, the variant was classified as uncertain significance.

Labcorp Genetics (formerly Invitae), Labcorp
Classification: Benign for Ehlers-Danlos syndrome, classic type, 1. Last evaluated: 2025-10-14. Review status: criteria provided, single submitter. Criteria: Invitae Variant Classification Sherloc (09022015). Collection method: clinical testing. Allele origin: germline.

GeneDx
Classification: Uncertain significance. Last evaluated: 2025-08-05. Review status: criteria provided, single submitter. Criteria: GeneDx Variant Classification Process June 2021. Collection method: clinical testing. Allele origin: germline.
Comment: Has not been previously published as pathogenic or benign to our knowledge; In silico analysis supports that this missense variant has a deleterious effect on protein structure/function

Blueprint Genetics
Classification: Likely benign. Last evaluated: 2022-07-27. Review status: criteria provided, single submitter. Criteria: ACMG Guidelines, 2015. Collection method: clinical testing. Allele origin: germline.

NM_000393.5(COL5A2):c.1478C>T (p.Pro493Leu)

Gene: COL5A2 (collagen type V alpha 2 chain; minus strand). Cytogenetic location: 2q32.2.
Variant type: single nucleotide variant.
Coding change: c.1478C>T on transcript NM_000393.5 (MANE Select); coding-DNA position 1478, C replaced by T.
Protein change: p.Pro493Leu; replaces proline 493 with leucine.
Molecular consequence: missense variant.
Genome position (GRCh38, 1-based): chr2:189,066,475, G>A on the plus strand (C>T on the coding strand, the complement: COL5A2 is on the minus strand). VCF-style: chr2-189066475-G-A. GRCh37 (hg19) VCF-style: chr2-189931201-G-A.
Other names: short protein forms P493L.
Identifiers: ClinVar variation 946429 (VCV000946429.51), dbSNP rs755909523, ClinGen allele CA2022688.